The following is an entry in ClinVar:

ClinVar aggregate classification (germline): Uncertain significance (1 of 4 stars; one submission).

Conditions:
Familial acute necrotizing encephalopathy (IIAE3). Also called: ENCEPHALOPATHY, ACUTE, INFECTION-INDUCED, SUSCEPTIBILITY TO, 3; Susceptibility to Acute Necrotizing Encephalopathy 1. Identifiers: Orphanet 88619, MedGen C2675556, MONDO:0011953, OMIM 608033.

Allele frequency attached by ClinVar (database versions not stated): gnomAD exomes below 0.00001; gnomAD 0.00001.
gnomAD v4.1: 3 of 1,614,020 alleles (0.00019%); highest among the groups gnomAD compares: Non-Finnish European, 0.00025%; no homozygotes.

Submission:

Labcorp Genetics (formerly Invitae), Labcorp
Classification: Uncertain significance for Familial acute necrotizing encephalopathy. Last evaluated: 2023-09-25. Review status: criteria provided, single submitter. Criteria: Invitae Variant Classification Sherloc (09022015). Collection method: clinical testing. Allele origin: germline.
Comment: ClinVar contains an entry for this variant (Variation ID: 581146). In summary, the available evidence is currently insufficient to determine the role of this variant in disease. Therefore, it has been classified as a Variant of Uncertain Significance. An algorithm developed to predict the effect of missense changes on protein structure and function (PolyPhen-2) suggests that this variant is likely to be tolerated. This variant has not been reported in the literature in individuals affected with RANBP2-related conditions. This variant is present in population databases (no rsID available, gnomAD 0.007%). This sequence change replaces threonine, which is neutral and polar, with alanine, which is neutral and non-polar, at codon 1004 of the RANBP2 protein (p.Thr1004Ala).

NM_006267.5(RANBP2):c.3010A>G (p.Thr1004Ala)

Gene: RANBP2 (RAN binding protein 2; plus strand). Cytogenetic location: 2q13.
Variant type: single nucleotide variant.
Coding change: c.3010A>G on transcript NM_006267.5 (MANE Select); coding-DNA position 3010, A replaced by G.
Protein change: p.Thr1004Ala; replaces threonine 1004 with alanine.
Molecular consequence: missense variant.
Genome position (GRCh38, 1-based): chr2:108,763,549, A>G. VCF-style: chr2-108763549-A-G. GRCh37 (hg19) VCF-style: chr2-109380005-A-G.
Other names: short protein forms T1004A.
Identifiers: ClinVar variation 581146 (VCV000581146.10), dbSNP rs1264589423, ClinGen allele CA348060517.
Genomic context (GRCh38, chr2:108,763,549, plus strand): 5'-CCTCCGATTGCAGCTCATGCTTCAAGATCTGCAGAATCTAAGACTATAGAATTTGGGAAA[A>G]CTAATTTTGTTCAGCCCATGCCGGGTGAAGGATTAAGGCCATCTTTGCCAACACAAGCAC-3'
Protein context (NP_006258.3, residues 994-1014): AESKTIEFGK[Thr1004Ala]NFVQPMPGEG